The following is an entry in ClinVar:

NM_052947.4(ALPK2):c.4829G>A (p.Cys1610Tyr)

Genes: ALPK2 (alpha kinase 2; minus strand), LOC126862764 (BRD4-independent group 4 enhancer GRCh37_chr18:56202574-56203773; plus strand). Cytogenetic location: 18q21.31.
Variant type: single nucleotide variant.
Coding change: c.4829G>A on transcript NM_052947.4 (MANE Select); coding-DNA position 4829, G replaced by A.
Protein change: p.Cys1610Tyr; replaces cysteine 1610 with tyrosine.
Molecular consequence: missense variant.
Genome position (GRCh38, 1-based): chr18:58,535,358, C>T on the plus strand (G>A on the coding strand, the complement: ALPK2 is on the minus strand). VCF-style: chr18-58535358-C-T. GRCh37 (hg19) VCF-style: chr18-56202590-C-T.
Other names: short protein forms C1610Y.
Identifiers: ClinVar variation 1743400 (VCV001743400.2), dbSNP rs2518873989, ClinGen allele CA402559629.

ClinVar aggregate classification (germline): Uncertain significance (1 of 4 stars; one submission).

Allele frequency attached by ClinVar (database versions not stated): gnomAD exomes below 0.00001.
gnomAD v4.1: 1 of 1,614,170 alleles (0.000062%); highest among the groups gnomAD compares: African/African-American, 0.0013%; no homozygotes.

Submission:

Ambry Genetics
Classification: Uncertain significance. Last evaluated: 2022-02-01. Review status: criteria provided, single submitter. Criteria: Ambry Variant Classification Scheme 2023. Collection method: clinical testing. Allele origin: germline.
Comment: The p.C1610Y variant (also known as c.4829G>A), located in coding exon 4 of the ALPK2 gene, results from a G to A substitution at nucleotide position 4829. The cysteine at codon 1610 is replaced by tyrosine, an amino acid with highly dissimilar properties. This amino acid position is conserved. In addition, this alteration is predicted to be tolerated by in silico analysis. Since supporting evidence is limited at this time, the clinical significance of this alteration remains unclear.